The following is an entry in ClinVar:

ClinVar aggregate classification (germline): Uncertain significance (1 of 4 stars; one submission).

Allele frequency attached by ClinVar (database versions not stated): gnomAD 0.00003; gnomAD exomes below 0.00001; TOPMed 0.00004.

Submission:

Labcorp Genetics (formerly Invitae), Labcorp
Classification: Uncertain significance. Last evaluated: 2021-12-25. Review status: criteria provided, single submitter. Criteria: Invitae Variant Classification Sherloc (09022015). Collection method: clinical testing. Allele origin: germline.
Comment: This variant has not been reported in the literature in individuals affected with STAG2-related conditions. This variant is not present in population databases (gnomAD no frequency). This sequence change replaces serine, which is neutral and polar, with asparagine, which is neutral and polar, at codon 1101 of the STAG2 protein (p.Ser1101Asn). In summary, the available evidence is currently insufficient to determine the role of this variant in disease. Therefore, it has been classified as a Variant of Uncertain Significance. Algorithms developed to predict the effect of missense changes on protein structure and function (SIFT, PolyPhen-2, Align-GVGD) all suggest that this variant is likely to be tolerated.

NM_001042750.2(STAG2):c.3302G>A (p.Ser1101Asn)

Gene: STAG2 (STAG2 cohesin complex component; plus strand). Cytogenetic location: Xq25.
Variant type: single nucleotide variant.
Coding change: c.3302G>A on transcript NM_001042750.2 (MANE Select); coding-DNA position 3302, G replaced by A.
Protein change: p.Ser1101Asn; replaces serine 1101 with asparagine.
Molecular consequence: missense variant.
Genome position (GRCh38, 1-based): chrX:124,090,599, G>A. VCF-style: chrX-124090599-G-A. GRCh37 (hg19) VCF-style: chrX-123224449-G-A.
Other names: c.3302G>A, p.Ser1101Asn (NM_001042749.2, NM_001375373.1, NM_001375374.1 and 13 more transcripts); short protein forms S1101N.
Identifiers: ClinVar variation 2059301 (VCV002059301.4), dbSNP rs747270306, ClinGen allele CA335281393.